The following is an entry in ClinVar:

NM_022124.6(CDH23):c.9511-12C>T

Gene: CDH23 (cadherin related 23; plus strand). Cytogenetic location: 10q22.1.
Variant type: single nucleotide variant.
Coding change: c.9511-12C>T on transcript NM_022124.6 (MANE Select); 12 bases into the intron before coding-DNA position 9511, C replaced by T.
Molecular consequence: intron variant.
Genome position (GRCh38, 1-based): chr10:71,812,756, C>T. VCF-style: chr10-71812756-C-T. GRCh37 (hg19) VCF-style: chr10-73572513-C-T.
Other names: c.2791-12C>T (NM_001171933.1, NM_001171934.1); c.202-12C>T (NM_001171935.1, NM_001171936.1).
Identifiers: ClinVar variation 46075 (VCV000046075.12), dbSNP rs397517366, ClinGen allele CA137642.

ClinVar aggregate classification (germline): Likely benign. Review status: criteria provided, multiple submitters, no conflicts (2 of 4 stars). 3 submissions from 3 submitters: Likely benign (3). Last evaluated 2025-04-03.

Allele frequency attached by ClinVar (database versions not stated): ExAC 0.00001; gnomAD exomes 0.00002; TOPMed 0.00002.
gnomAD v4.1: 16 of 1,613,154 alleles (0.00099%); highest among the groups gnomAD compares: African/African-American, 0.0027%; no homozygotes.

Submissions (3):

Labcorp Genetics (formerly Invitae), Labcorp
Classification: Likely benign. Last evaluated: 2025-04-03. Review status: criteria provided, single submitter. Criteria: Invitae Variant Classification Sherloc (09022015). Collection method: clinical testing. Allele origin: germline.

Blueprint Genetics
Classification: Likely benign. Last evaluated: 2024-08-30. Review status: criteria provided, single submitter. Criteria: ACMG Guidelines, 2015. Collection method: clinical testing. Allele origin: germline.

Laboratory for Molecular Medicine, Mass General Brigham Personalized Medicine
Classification: Likely benign. Last evaluated: 2012-05-29. Review status: criteria provided, single submitter. Criteria: LMM Criteria. Collection method: clinical testing. Allele origin: germline. Observed: 1 variant allele.
Comment: 9511-12C>T in intron 67 of CDH23: This variant is not expected to have clinical significance because it does not cause the splice site sequence to diverge from consensus.